The following is an entry in ClinVar:

ClinVar aggregate classification (germline): Likely benign. Review status: criteria provided, multiple submitters, no conflicts (2 of 4 stars). 2 submissions from 2 submitters: Likely benign (2). Last evaluated 2025-12-29.

Conditions:
Left ventricular noncompaction 8 (LVNC8). Identifiers: Orphanet 154, Orphanet 54260, MedGen C3809288, MONDO:0014152, OMIM 615373.

Allele frequency attached by ClinVar (database versions not stated): ExAC 0.00001; gnomAD exomes 0.00001; TOPMed 0.00006; gnomAD 0.00007.
gnomAD v4.1: 21 of 1,609,186 alleles (0.0013%); highest among the groups gnomAD compares: African/African-American, 0.019%; no homozygotes.

Submissions (2):

Labcorp Genetics (formerly Invitae), Labcorp
Classification: Likely benign for Left ventricular noncompaction 8. Last evaluated: 2025-12-29. Review status: criteria provided, single submitter. Criteria: Invitae Variant Classification Sherloc (09022015). Collection method: clinical testing. Allele origin: germline.

GeneDx
Classification: Likely benign. Last evaluated: 2018-04-24. Review status: criteria provided, single submitter. Criteria: GeneDx Variant Classification (06012015). Collection method: clinical testing. Allele origin: germline. Affected: yes.
Comment: This variant is considered likely benign or benign based on one or more of the following criteria: it is a conservative change, it occurs at a poorly conserved position in the protein, it is predicted to be benign by multiple in silico algorithms, and/or has population frequency not consistent with disease.

NM_022114.4(PRDM16):c.2037C>T (p.Asp679=)

Gene: PRDM16 (PR/SET domain 16; plus strand). Cytogenetic location: 1p36.32.
Variant type: single nucleotide variant.
Coding change: c.2037C>T on transcript NM_022114.4 (MANE Select); coding-DNA position 2037, C replaced by T.
Protein change: p.Asp679=; no amino-acid change (aspartic acid 679 retained).
Molecular consequence: synonymous variant.
Genome position (GRCh38, 1-based): chr1:3,412,234, C>T. VCF-style: chr1-3412234-C-T. GRCh37 (hg19) VCF-style: chr1-3328798-C-T.
Other names: c.2037C>T, p.Asp679= (NM_199454.3).
Identifiers: ClinVar variation 413865 (VCV000413865.12), dbSNP rs770781991, ClinGen allele CA544366.